The following is an entry in ClinVar:

ClinVar aggregate classification (germline): Uncertain significance. Review status: criteria provided, multiple submitters, no conflicts (2 of 4 stars). 2 submissions from 2 submitters: Uncertain significance (2). Last evaluated 2024-12-19.

Conditions:
Charcot-Marie-Tooth disease type 2. Also called: Charcot-Marie-Tooth type 2. Identifiers: Orphanet 64746, MedGen C0270914, MONDO:0018993.

Allele frequency attached by ClinVar (database versions not stated): gnomAD 0.00001; gnomAD exomes below 0.00001.
gnomAD v4.1: 6 of 1,613,790 alleles (0.00037%); highest among the groups gnomAD compares: Admixed American, 0.0017%; no homozygotes.

Submissions (2):

Labcorp Genetics (formerly Invitae), Labcorp
Classification: Uncertain significance for Charcot-Marie-Tooth disease type 2. Last evaluated: 2024-12-19. Review status: criteria provided, single submitter. Criteria: Invitae Variant Classification Sherloc (09022015). Collection method: clinical testing. Allele origin: germline.
Comment: This sequence change replaces arginine, which is basic and polar, with glutamine, which is neutral and polar, at codon 471 of the KIF1B protein (p.Arg471Gln). This variant is present in population databases (no rsID available, gnomAD 0.1%). This variant has not been reported in the literature in individuals affected with KIF1B-related conditions. ClinVar contains an entry for this variant (Variation ID: 1772068). Invitae Evidence Modeling of protein sequence and biophysical properties (such as structural, functional, and spatial information, amino acid conservation, physicochemical variation, residue mobility, and thermodynamic stability) indicates that this missense variant is not expected to disrupt KIF1B protein function with a negative predictive value of 80%. In summary, the available evidence is currently insufficient to determine the role of this variant in disease. Therefore, it has been classified as a Variant of Uncertain Significance.

Ambry Genetics
Classification: Uncertain significance. Last evaluated: 2024-06-15. Review status: criteria provided, single submitter. Criteria: Ambry Variant Classification Scheme 2023. Collection method: clinical testing. Allele origin: germline.
Comment: The p.R471Q variant (also known as c.1412G>A), located in coding exon 14 of the KIF1B gene, results from a G to A substitution at nucleotide position 1412. The arginine at codon 471 is replaced by glutamine, an amino acid with highly similar properties. This amino acid position is highly conserved in available vertebrate species. In addition, the in silico prediction for this alteration is inconclusive. Since supporting evidence is limited at this time, the clinical significance of this alteration remains unclear.

NM_001365951.3(KIF1B):c.1550G>A (p.Arg517Gln)

Gene: KIF1B (kinesin family member 1B; plus strand). Cytogenetic location: 1p36.22.
Variant type: single nucleotide variant.
Coding change: c.1550G>A on transcript NM_001365951.3 (MANE Select); coding-DNA position 1550, G replaced by A.
Protein change: p.Arg517Gln; replaces arginine 517 with glutamine.
Molecular consequence: missense variant.
Genome position (GRCh38, 1-based): chr1:10,292,082, G>A. VCF-style: chr1-10292082-G-A. GRCh37 (hg19) VCF-style: chr1-10352140-G-A.
Other names: c.1550G>A, p.Arg517Gln (NM_001365952.1); c.1412G>A, p.Arg471Gln (NM_001365953.1, NM_015074.3, NM_183416.4); short protein forms R517Q, R471Q.
Identifiers: ClinVar variation 1772068 (VCV001772068.6), dbSNP rs1396020834, ClinGen allele CA338313475.